The following is an entry in ClinVar:

ClinVar aggregate classification (germline): Uncertain significance (1 of 4 stars; one submission).

Submission:

Labcorp Genetics (formerly Invitae), Labcorp
Classification: Uncertain significance. Last evaluated: 2024-01-22. Review status: criteria provided, single submitter. Criteria: Invitae Variant Classification Sherloc (09022015). Collection method: clinical testing. Allele origin: germline.
Comment: This sequence change replaces methionine, which is neutral and non-polar, with isoleucine, which is neutral and non-polar, at codon 892 of the MSH3 protein (p.Met892Ile). This variant is not present in population databases (gnomAD no frequency). This variant has not been reported in the literature in individuals affected with MSH3-related conditions. An algorithm developed to predict the effect of missense changes on protein structure and function (PolyPhen-2) suggests that this variant is likely to be disruptive. In summary, the available evidence is currently insufficient to determine the role of this variant in disease. Therefore, it has been classified as a Variant of Uncertain Significance.

NM_002439.5(MSH3):c.2676G>A (p.Met892Ile)

Gene: MSH3 (mutS homolog 3; plus strand). Cytogenetic location: 5q14.1.
Variant type: single nucleotide variant.
Coding change: c.2676G>A on transcript NM_002439.5 (MANE Select); coding-DNA position 2676, G replaced by A.
Protein change: p.Met892Ile; replaces methionine 892 with isoleucine.
Molecular consequence: missense variant.
Genome position (GRCh38, 1-based): chr5:80,813,604, G>A. VCF-style: chr5-80813604-G-A. GRCh37 (hg19) VCF-style: chr5-80109423-G-A.
Other names: short protein forms M892I.
Identifiers: ClinVar variation 2710783 (VCV002710783.3), dbSNP rs2546797281, ClinGen allele CA360273844.